The following is an entry in ClinVar:

ClinVar aggregate classification (germline): Conflicting classifications of pathogenicity. Review status: criteria provided, conflicting classifications (1 of 4 stars). 2 submissions from 2 submitters: Uncertain significance (1); Likely benign (1). Last evaluated 2024-07-03.

Conditions:
Hereditary cancer-predisposing syndrome. Also called: Neoplastic Syndromes, Hereditary; Tumor predisposition; Hereditary Cancer Syndrome; Hereditary neoplastic syndrome. Identifiers: Orphanet 140162, MedGen C0027672, MeSH D009386, MONDO:0015356.

Submissions (2):

Ambry Genetics
Classification: Uncertain significance for Hereditary cancer-predisposing syndrome. Last evaluated: 2024-07-03. Review status: criteria provided, single submitter. Criteria: Ambry Variant Classification Scheme 2023. Collection method: clinical testing. Allele origin: germline.
Comment: The p.L375R variant (also known as c.1124T>G), located in coding exon 9 of the BRCA1 gene, results from a T to G substitution at nucleotide position 1124. The leucine at codon 375 is replaced by arginine, an amino acid with dissimilar properties. This amino acid position is not well conserved in available vertebrate species. In addition, the in silico prediction for this alteration is inconclusive. Since supporting evidence is limited at this time, the clinical significance of this alteration remains unclear.

University of Washington Department of Laboratory Medicine, University of Washington
Classification: Likely benign for Hereditary cancer-predisposing syndrome. Last evaluated: 2023-03-23. Review status: criteria provided, single submitter. Criteria: Dines et al. (Genet Med. 2020). Collection method: curation. Allele origin: germline.
Comment: Missense variant in a coldspot region where missense variants are very unlikely to be pathogenic (PMID:31911673).

BRCA1 coldspot (exon 11 using historical exon numbering). Reclassification based on statistical prior probability

NM_007294.4(BRCA1):c.1124T>G (p.Leu375Arg)

Gene: BRCA1 (BRCA1 DNA repair associated; minus strand). Cytogenetic location: 17q21.31.
Variant type: single nucleotide variant.
Coding change: c.1124T>G on transcript NM_007294.4 (MANE Select); coding-DNA position 1124, T replaced by G.
Protein change: p.Leu375Arg; replaces leucine 375 with arginine.
Molecular consequence: missense variant. On other transcripts: intron variant (137).
Genome position (GRCh38, 1-based): chr17:43,094,407, A>C on the plus strand (T>G on the coding strand, the complement: BRCA1 is on the minus strand). VCF-style: chr17-43094407-A-C. GRCh37 (hg19) VCF-style: chr17-41246424-A-C.
Other names: c.911T>G, p.Leu304Arg (NM_001407571.1, NM_001407853.1, NM_001407894.1 and 9 more transcripts); c.1124T>G, p.Leu375Arg (NM_001407581.1, NM_001407582.1, NM_001407583.1 and 30 more transcripts); c.1121T>G, p.Leu374Arg (NM_001407587.1, NM_001407590.1, NM_001407591.1 and 22 more transcripts); c.1115T>G, p.Leu372Arg (NM_001407646.1, NM_001407647.1); c.1001T>G, p.Leu334Arg (NM_001407648.1, NM_001407664.1, NM_001407665.1 and 19 more transcripts); c.998T>G, p.Leu333Arg (NM_001407649.1, NM_001407670.1, NM_001407671.1 and 11 more transcripts); c.1046T>G, p.Leu349Arg (NM_001407653.1, NM_001407654.1, NM_001407655.1 and 4 more transcripts); c.1043T>G, p.Leu348Arg (NM_001407659.1, NM_001407660.1, NM_001407661.1 and 1 more transcripts); and 40 more; short protein forms L264R, L286R, L287R, L304R, L328R, L334R, L372R, L248R.
Identifiers: ClinVar variation 1798746 (VCV001798746.5), dbSNP rs2552221265, ClinGen allele CA10599808.